The following is an entry in ClinVar:

NM_031844.3(HNRNPU):c.2111G>A (p.Gly704Asp)

Gene: HNRNPU (heterogeneous nuclear ribonucleoprotein U; minus strand). Cytogenetic location: 1q44.
Variant type: single nucleotide variant.
Coding change: c.2111G>A on transcript NM_031844.3 (MANE Select); coding-DNA position 2111, G replaced by A.
Protein change: p.Gly704Asp; replaces glycine 704 with aspartic acid.
Molecular consequence: missense variant.
Genome position (GRCh38, 1-based): chr1:244,855,960, C>T on the plus strand (G>A on the coding strand, the complement: HNRNPU is on the minus strand). VCF-style: chr1-244855960-C-T. GRCh37 (hg19) VCF-style: chr1-245019262-C-T.
Other names: c.2054G>A, p.Gly685Asp (NM_004501.3); short protein forms G685D, G704D.
Identifiers: ClinVar variation 1005715 (VCV001005715.9), dbSNP rs1680668703, ClinGen allele CA345487818.
Genomic context (GRCh38, chr1:244,855,960, plus strand): 5'-TTGCCTCCTCCTCTGAAATTTCCACCACGCATATTGAATCCTCCACGTCCTCTATGGCCA[C>T]CACCTCTGTTAAACTGGTTCTTGCCACTCTTATTTTTATTGCTTTTCTTTGAGCCAGTGT-3'
Protein context (NP_114032.2, residues 694-714): KSGKNQFNRG[Gly704Asp]GHRGRGGFNM

ClinVar aggregate classification (germline): Uncertain significance (1 of 4 stars; one submission).

Conditions:
Developmental and epileptic encephalopathy, 54. Also called: Epileptic encephalopathy, early infantile, 54; HNRNPU-Related Neurodevelopmental Disorder. Identifiers: MedGen C4479319, MONDO:0033363, OMIM 617391.

gnomAD v4.1: 1 of 1,614,144 alleles (0.000062%); no homozygotes.

Submission:

Labcorp Genetics (formerly Invitae), Labcorp
Classification: Uncertain significance for Developmental and epileptic encephalopathy, 54. Last evaluated: 2020-08-02. Review status: criteria provided, single submitter. Criteria: Invitae Variant Classification Sherloc (09022015). Collection method: clinical testing. Allele origin: germline.
Comment: In summary, the available evidence is currently insufficient to determine the role of this variant in disease. Therefore, it has been classified as a Variant of Uncertain Significance. Algorithms developed to predict the effect of missense changes on protein structure and function are either unavailable or do not agree on the potential impact of this missense change (SIFT: "Tolerated"; PolyPhen-2: "Not Available"; Align-GVGD: "Class C0"). This variant has not been reported in the literature in individuals with HNRNPU-related conditions. This variant is not present in population databases (ExAC no frequency). This sequence change replaces glycine with aspartic acid at codon 704 of the HNRNPU protein (p.Gly704Asp). The glycine residue is moderately conserved and there is a moderate physicochemical difference between glycine and aspartic acid.